The following is an entry in ClinVar:

ClinVar aggregate classification (germline): Uncertain significance (1 of 4 stars; one submission).

gnomAD v4.1: 1 of 1,613,546 alleles (0.000062%); highest among the groups gnomAD compares: Non-Finnish European, 0.000085%; no homozygotes.

Submission:

Labcorp Genetics (formerly Invitae), Labcorp
Classification: Uncertain significance. Last evaluated: 2024-05-04. Review status: criteria provided, single submitter. Criteria: Invitae Variant Classification Sherloc (09022015). Collection method: clinical testing. Allele origin: germline.
Comment: This sequence change replaces arginine, which is basic and polar, with proline, which is neutral and non-polar, at codon 2330 of the DCHS1 protein (p.Arg2330Pro). This variant is not present in population databases (gnomAD no frequency). This variant has not been reported in the literature in individuals affected with DCHS1-related conditions. Advanced modeling of protein sequence and biophysical properties (such as structural, functional, and spatial information, amino acid conservation, physicochemical variation, residue mobility, and thermodynamic stability) performed at Invitae indicates that this missense variant is expected to disrupt DCHS1 protein function with a positive predictive value of 80%. This variant disrupts the p.Arg2330 amino acid residue in DCHS1. Other variant(s) that disrupt this residue have been determined to be pathogenic (PMID: 26258302). This suggests that this residue is clinically significant, and that variants that disrupt this residue are likely to be disease-causing. In summary, the available evidence is currently insufficient to determine the role of this variant in disease. Therefore, it has been classified as a Variant of Uncertain Significance.

Literature cited by the submitters: PubMed 26258302.

NM_003737.4(DCHS1):c.6989G>C (p.Arg2330Pro)

Gene: DCHS1 (dachsous cadherin-related 1; minus strand). Cytogenetic location: 11p15.4.
Variant type: single nucleotide variant.
Coding change: c.6989G>C on transcript NM_003737.4 (MANE Select); coding-DNA position 6989, G replaced by C.
Protein change: p.Arg2330Pro; replaces arginine 2330 with proline.
Molecular consequence: missense variant.
Genome position (GRCh38, 1-based): chr11:6,625,355, C>G on the plus strand (G>C on the coding strand, the complement: DCHS1 is on the minus strand). VCF-style: chr11-6625355-C-G. GRCh37 (hg19) VCF-style: chr11-6646586-C-G.
Other names: short protein forms R2330P.
Identifiers: ClinVar variation 3671550 (VCV003671550.2).